The following is an entry in ClinVar:

ClinVar aggregate classification (germline): Uncertain significance (1 of 4 stars; one submission).

Conditions:
Familial infantile myasthenia (CMS6). Also called: Congenital myasthenic syndrome type 6; MYASTHENIC SYNDROME, CONGENITAL, 6, PRESYNAPTIC; MYASTHENIC SYNDROME, PRESYNAPTIC, CONGENITAL, ASSOCIATED WITH EPISODIC APNEA. Identifiers: Orphanet 590, MedGen C0393929, MONDO:0009689, OMIM 254210.

Allele frequency attached by ClinVar (database versions not stated): gnomAD exomes below 0.00001.
gnomAD v4.1: 1 of 1,613,692 alleles (0.000062%); highest among the groups gnomAD compares: Non-Finnish European, 0.000085%; no homozygotes.

Submission:

Labcorp Genetics (formerly Invitae), Labcorp
Classification: Uncertain significance for Familial infantile myasthenia. Last evaluated: 2023-02-11. Review status: criteria provided, single submitter. Criteria: Invitae Variant Classification Sherloc (09022015). Collection method: clinical testing. Allele origin: germline.
Comment: In summary, the available evidence is currently insufficient to determine the role of this variant in disease. Therefore, it has been classified as a Variant of Uncertain Significance. Algorithms developed to predict the effect of missense changes on protein structure and function (SIFT, PolyPhen-2, Align-GVGD) all suggest that this variant is likely to be disruptive. This variant has not been reported in the literature in individuals affected with CHAT-related conditions. This variant is not present in population databases (gnomAD no frequency). This sequence change replaces tyrosine, which is neutral and polar, with cysteine, which is neutral and slightly polar, at codon 273 of the CHAT protein (p.Tyr273Cys).

NM_020549.5(CHAT):c.818A>G (p.Tyr273Cys)

Gene: CHAT (choline O-acetyltransferase; plus strand). Cytogenetic location: 10q11.23.
Variant type: single nucleotide variant.
Coding change: c.818A>G on transcript NM_020549.5 (MANE Select); coding-DNA position 818, A replaced by G.
Protein change: p.Tyr273Cys; replaces tyrosine 273 with cysteine.
Molecular consequence: missense variant.
Genome position (GRCh38, 1-based): chr10:49,625,538, A>G. VCF-style: chr10-49625538-A-G. GRCh37 (hg19) VCF-style: chr10-50833584-A-G.
Other names: c.464A>G, p.Tyr155Cys (NM_001142929.2, NM_001142934.2, NM_020984.4 and 2 more transcripts); c.572A>G, p.Tyr191Cys (NM_001142933.2); short protein forms Y155C, Y191C, Y273C.
Identifiers: ClinVar variation 2836396 (VCV002836396.3), dbSNP rs2496352510, ClinGen allele CA376729935.